The following is an entry in ClinVar:

ClinVar aggregate classification (germline): Uncertain significance (1 of 4 stars; one submission).

Conditions:
Hereditary cancer-predisposing syndrome. Also called: Neoplastic Syndromes, Hereditary; Tumor predisposition; Hereditary Cancer Syndrome; Hereditary neoplastic syndrome. Identifiers: Orphanet 140162, MedGen C0027672, MeSH D009386, MONDO:0015356.

Submission:

Ambry Genetics
Classification: Uncertain significance for Hereditary cancer-predisposing syndrome. Last evaluated: 2020-08-13. Review status: criteria provided, single submitter. Criteria: Ambry Variant Classification Scheme 2023. Collection method: clinical testing. Allele origin: germline.
Comment: The p.R2673I variant (also known as c.8018G>T), located in coding exon 15 of the APC gene, results from a G to T substitution at nucleotide position 8018. The arginine at codon 2673 is replaced by isoleucine, an amino acid with similar properties. This amino acid position is not well conserved in available vertebrate species. In addition, in silico predictors for this gene do not accurately predict pathogenicity. Since supporting evidence is limited at this time, the clinical significance of this alteration remains unclear.

NM_000038.6(APC):c.8018G>T (p.Arg2673Ile)

Gene: APC (APC regulator of Wnt signaling pathway; plus strand). Cytogenetic location: 5q22.2.
Variant type: single nucleotide variant.
Coding change: c.8018G>T on transcript NM_000038.6 (MANE Select); coding-DNA position 8018, G replaced by T.
Protein change: p.Arg2673Ile; replaces arginine 2673 with isoleucine.
Molecular consequence: missense variant.
Genome position (GRCh38, 1-based): chr5:112,843,612, G>T. VCF-style: chr5-112843612-G-T. GRCh37 (hg19) VCF-style: chr5-112179309-G-T.
Other names: c.8018G>T, p.Arg2673Ile (NM_001127510.3, NM_001354895.2, NM_001407450.1); c.7964G>T, p.Arg2655Ile (NM_001127511.3); c.8072G>T, p.Arg2691Ile (NM_001354896.2, NM_001407447.1, NM_001407448.1 and 1 more transcripts); c.8048G>T, p.Arg2683Ile (NM_001354897.2); c.7943G>T, p.Arg2648Ile (NM_001354898.2); c.7934G>T, p.Arg2645Ile (NM_001354899.2); c.7895G>T, p.Arg2632Ile (NM_001354900.2); c.7841G>T, p.Arg2614Ile (NM_001354901.2, NM_001407453.1); and 11 more; short protein forms R2289I, R2572I, R2590I, R2645I, R2666I, R2673I, R2513I, R2544I.
Identifiers: ClinVar variation 1761670 (VCV001761670.2), dbSNP rs539168162, ClinGen allele CA16038747.